The following is an entry in ClinVar:

NM_003640.5(ELP1):c.2860+1_2860+7del

Gene: ELP1 (elongator acetyltransferase complex subunit 1; minus strand). Cytogenetic location: 9q31.3.
Variant type: Deletion.
Coding change: c.2860+1_2860+7del on transcript NM_003640.5 (MANE Select); the canonical splice donor site of the intron after coding-DNA position 2860 through 7 bases into the intron after coding-DNA position 2860, 7 bases deleted (GTAAGTG; older notation c.2860+1_2860+7delGTAAGTG).
Molecular consequence: splice donor variant.
Genome position (GRCh38, 1-based): chr9:108,893,936-108,893,942, CACTTAC deleted on the plus strand (GTAAGTG on the coding strand, the reverse complement: ELP1 is on the minus strand); deleting any 7 consecutive bases within chr9:108,893,936-108,893,945 gives the same sequence; the c. name uses the placement nearest the transcript's 3' end. VCF-style (leftmost placement, unchanged base first): chr9-108893935-ACACTTAC-A. GRCh37 (hg19) VCF-style: chr9-111656215-ACACTTAC-A.
Other names: c.2860+1_2860+7del (NM_003640.4); c.2518+1_2518+7del (NM_001318360.2); c.1813+1_1813+7del (NM_001330749.2).
Identifiers: ClinVar variation 1482333 (VCV001482333.9), dbSNP rs2131975101, ClinGen allele CA2573143749.
Genomic context (GRCh38, chr9:108,893,935, plus strand): 5'-AATTTATACCTTGCCTAGTTCCAAAGAAGATCTGAAGTAGAGATAAACATACTAATCCCC[ACACTTAC>A]CACATTTGCTGAGGTGGCCAATGGCTTTTTCATATCGTTTCAAGTATTTGTCTATAGTAA-3'

ClinVar aggregate classification (germline): Likely pathogenic. Review status: criteria provided, multiple submitters, no conflicts (2 of 4 stars). 2 submissions from 2 submitters: Likely pathogenic (2). Last evaluated 2024-06-24.

Conditions:
Familial dysautonomia. Also called: FD; HSAN III. Identifiers: Orphanet 1764, MedGen C0013364, MONDO:0009131, OMIM 223900. Disease mechanism: loss of function.

Submissions (2):

Natera, Inc.
Classification: Likely pathogenic for Familial dysautonomia. Last evaluated: 2024-06-24. Review status: criteria provided, single submitter. Criteria: Natera Variant Classification Schema (03/2026). Collection method: clinical testing. Allele origin: germline.
Comment: The c.2860+1_2860+7del variant in ELP1 is a canonical splice donor site variant predicted to affect pre-mRNA splicing, which may result in an abnormal transcript and altered protein product. This variant is expected to result in nonsense mediated decay, truncation, or a dysfunctional protein product. This variant is rare in the general population with a frequency below the threshold expected for the associated phenotype(s). Given the available evidence, this variant is classified as Likely Pathogenic.

Labcorp Genetics (formerly Invitae), Labcorp
Classification: Likely pathogenic. Last evaluated: 2021-04-30. Review status: criteria provided, single submitter. Criteria: Invitae Variant Classification Sherloc (09022015). Collection method: clinical testing. Allele origin: germline.
Comment: In summary, the currently available evidence indicates that the variant is pathogenic, but additional data are needed to prove that conclusively. Therefore, this variant has been classified as Likely Pathogenic. Algorithms developed to predict the effect of sequence changes on RNA splicing suggest that this variant may disrupt the consensus splice site, but this prediction has not been confirmed by published transcriptional studies. This variant has not been reported in the literature in individuals with ELP1-related conditions. This variant is not present in population databases (ExAC no frequency). This sequence change affects a splice site in intron 26 of the ELP1 gene. It is expected to disrupt RNA splicing. Variants that disrupt the donor or acceptor splice site typically lead to a loss of protein function (PMID: 16199547), and loss-of-function variants in ELP1 are known to be pathogenic (PMID: 18303054, 24173031).

Literature cited by the submitters: PubMed 16199547 (cited by Labcorp Genetics (formerly Invitae), Labcorp); PubMed 18303054 (cited by Labcorp Genetics (formerly Invitae), Labcorp); PubMed 24173031 (cited by Labcorp Genetics (formerly Invitae), Labcorp).